The following is an entry in ClinVar:

NM_015272.5(RPGRIP1L):c.2797G>C (p.Gly933Arg)

Gene: RPGRIP1L (RPGRIP1 like; minus strand). Cytogenetic location: 16q12.2.
Variant type: single nucleotide variant.
Coding change: c.2797G>C on transcript NM_015272.5 (MANE Select); coding-DNA position 2797, G replaced by C.
Protein change: p.Gly933Arg; replaces glycine 933 with arginine.
Molecular consequence: missense variant.
Genome position (GRCh38, 1-based): chr16:53,641,362, C>G on the plus strand (G>C on the coding strand, the complement: RPGRIP1L is on the minus strand). VCF-style: chr16-53641362-C-G. GRCh37 (hg19) VCF-style: chr16-53675274-C-G.
Other names: c.2797G>C, p.Gly933Arg (NM_001127897.4, NM_001308334.3, NM_001330538.2); short protein forms G933R.
Identifiers: ClinVar variation 3349319 (VCV003349319.1).
Genomic context (GRCh38, chr16:53,641,362, plus strand): 5'-CAGAGGATGCTGGAGGAAGTCTTTGAACAACTTCTGGCTCTTCGCTGCGAATGAAATTTC[C>G]TAAGTCTTCAGTTGTTATTGATCCACTTGGTGGAAGGTAAGCAAATTTCCATTTCAATAT-3'
Protein context (NP_056087.2, residues 923-943): PSGSITTEDL[Gly933Arg]NFIRSEEPEV

ClinVar aggregate classification (germline): Uncertain significance (0 of 4 stars; one submission).

Conditions:
RPGRIP1L-related disorder. Also called: RPGRIP1L-related condition; RPGRIP1L-related disorders. Identifiers: MedGen CN239416.

Submission:

PreventionGenetics, part of Exact Sciences
Classification: Uncertain significance for RPGRIP1L-related condition. Last evaluated: 2024-01-18. Review status: no assertion criteria provided. Collection method: clinical testing. Allele origin: germline.
Comment: The RPGRIP1L c.2797G>C variant is predicted to result in the amino acid substitution p.Gly933Arg. To our knowledge, this variant has not been reported in the literature in individuals with RPGRIP1L-related disorders or in a large population database, indicating this variant is rare. At this time, the clinical significance of this variant is uncertain due to the absence of conclusive functional and genetic evidence.